The following is an entry in ClinVar:

NM_001127511.3(APC):c.-75_-72dup

Gene: APC (APC regulator of Wnt signaling pathway; plus strand). Cytogenetic location: 5q22.2.
Variant type: Duplication.
Coding change: c.-75_-72dup on transcript NM_001127511.3; 75 bases upstream of the start codon through 72 bases upstream of the start codon, 4 bases duplicated (TTCC; older notation c.-75_-72dupTTCC).
Molecular consequence: 5 prime UTR variant. On other transcripts: non-coding transcript variant (2).
Genome position (GRCh38, 1-based): chr5:112,707,643-112,707,646, TTCC duplicated. VCF-style (leftmost placement, unchanged base first): chr5-112707642-G-GTTCC. GRCh37 (hg19) VCF-style: chr5-112043339-G-GTTCC.
Other names: c.-258_-255dup (NM_001407452.1, NM_001407456.1, NM_001407460.1 and 3 more transcripts); c.-49_-46dup (NM_001407453.1); c.-25_-22dup (NM_001407457.1, NM_001407458.1, NM_001407448.1 and 1 more transcripts); c.-1293_-1290dup (NM_001407470.1, NM_001407472.1); c.-75_-72dup (NM_001354897.2, NM_001354902.2, NM_001407446.1).
Identifiers: ClinVar variation 2149460 (VCV002149460.2), dbSNP rs2531737386, ClinGen allele CA2580072311.

ClinVar aggregate classification (germline): Uncertain significance (1 of 4 stars; one submission).

Conditions:
Familial adenomatous polyposis 1 (FAP1). Also called: FAMILIAL ADENOMATOUS POLYPOSIS 1, ATTENUATED; POLYPOSIS, ADENOMATOUS INTESTINAL. Identifiers: MedGen C2713442, MONDO:0021056, OMIM 175100. Disease mechanism: loss of function.

Submission:

Labcorp Genetics (formerly Invitae), Labcorp
Classification: Uncertain significance for Familial adenomatous polyposis 1. Last evaluated: 2025-07-31. Review status: criteria provided, single submitter. Criteria: Invitae Variant Classification Sherloc (09022015). Collection method: clinical testing. Allele origin: germline.
Comment: This variant occurs in a non-coding region of the APC gene. It does not change the encoded amino acid sequence of the APC protein. This variant is not present in population databases (gnomAD no frequency). This variant has not been reported in the literature in individuals affected with APC-related conditions. Experimental studies and prediction algorithms are not available or were not evaluated, and the functional significance of this variant is currently unknown. In summary, the available evidence is currently insufficient to determine the role of this variant in disease. Therefore, it has been classified as a Variant of Uncertain Significance.